The following is an entry in ClinVar:

ClinVar aggregate classification (germline): Benign/Likely benign. Review status: criteria provided, multiple submitters, no conflicts (2 of 4 stars). 5 submissions from 4 submitters: Benign (1); Likely benign (4). Last evaluated 2026-01-28.

Conditions:
Autosomal dominant cerebellar ataxia. Also called: Spinocerebellar Ataxia, Dominant. Identifiers: Orphanet 99, MedGen C4087347, MONDO:0020380.
Charcot-Marie-Tooth disease axonal type 2O. Also called: CHARCOT-MARIE-TOOTH NEUROPATHY, AXONAL, TYPE 2O; CHARCOT-MARIE-TOOTH DISEASE, AXONAL, AUTOSOMAL DOMINANT, TYPE 2O; Charcot-Marie-Tooth disease, axonal, type 20; Charcot-Marie-Tooth Neuropathy Type 2O. Identifiers: Orphanet 284232, MedGen C3280220, MONDO:0013644, OMIM 614228.

Allele frequency attached by ClinVar (database versions not stated): gnomAD 0.00059 and 0.00060; gnomAD exomes 0.00007 and 0.00012; ExAC 0.00013; 1000 Genomes Project 30x 0.00016; 1000 Genomes Project 0.00020; ESP Exome Variant Server 0.00054; TOPMed 0.00057.
gnomAD v4.1: 203 of 1,614,172 alleles (0.013%); highest among the groups gnomAD compares: African/African-American, 0.18%; 1 homozygote.

Submissions (5):

Labcorp Genetics (formerly Invitae), Labcorp
Classification: Benign for Charcot-Marie-Tooth disease axonal type 2O. Last evaluated: 2026-01-28. Review status: criteria provided, single submitter. Criteria: Invitae Variant Classification Sherloc (09022015). Collection method: clinical testing. Allele origin: germline.

Blueprint Genetics
Classification: Likely benign. Last evaluated: 2024-03-27. Review status: criteria provided, single submitter. Criteria: ACMG Guidelines, 2015. Collection method: clinical testing. Allele origin: germline.

GeneDx
Classification: Likely benign. Last evaluated: 2018-04-30. Review status: criteria provided, single submitter. Criteria: GeneDx Variant Classification (06012015). Collection method: clinical testing. Allele origin: germline. Affected: yes.
Comment: This variant is considered likely benign or benign based on one or more of the following criteria: it is a conservative change, it occurs at a poorly conserved position in the protein, it is predicted to be benign by multiple in silico algorithms, and/or has population frequency not consistent with disease.

Illumina Laboratory Services, Illumina
Classification: Likely benign for Spinocerebellar Ataxia, Dominant. Last evaluated: 2018-01-12. Review status: criteria provided, single submitter. Criteria: ICSL Variant Classification Criteria 13 December 2019. Collection method: clinical testing. Allele origin: germline.
Comment: This variant was observed in the ICSL laboratory as part of a predisposition screen in an ostensibly healthy population. It had not been previously curated by ICSL or reported in the Human Gene Mutation Database (HGMD: prior to June 1st, 2018), and was therefore a candidate for classification through an automated scoring system. Utilizing variant allele frequency, disease prevalence and penetrance estimates, and inheritance mode, an automated score was calculated to assess if this variant is too frequent to cause the disease. Based on the score and internal cut-off values, a variant classified as likely benign is not then subjected to further curation. The score for this variant resulted in a classification of likely benign for this disease.

Illumina Laboratory Services, Illumina
Classification: Likely benign for Charcot-Marie-Tooth disease axonal type 2O. Last evaluated: 2018-01-12. Review status: criteria provided, single submitter. Criteria: ICSL Variant Classification Criteria 13 December 2019. Collection method: clinical testing. Allele origin: germline.
Comment: the same text as in the submission from Illumina Laboratory Services, Illumina above.

NM_001376.5(DYNC1H1):c.5050-15T>C

Gene: DYNC1H1 (dynein cytoplasmic 1 heavy chain 1; plus strand). Cytogenetic location: 14q32.31.
Variant type: single nucleotide variant.
Coding change: c.5050-15T>C on transcript NM_001376.5 (MANE Select); 15 bases into the intron before coding-DNA position 5050, T replaced by C.
Molecular consequence: intron variant.
Genome position (GRCh38, 1-based): chr14:102,004,747, T>C. VCF-style: chr14-102004747-T-C. GRCh37 (hg19) VCF-style: chr14-102471084-T-C.
Identifiers: ClinVar variation 682474 (VCV000682474.13), dbSNP rs190979027, ClinGen allele CA7352348.
Genomic context (GRCh38, chr14:102,004,747, plus strand): 5'-AATTTATGTTCGTAACTTTTAAAACTTCTCTCACATTTTTGCATACCTCATTTCTTAAAA[T>C]TGTATTTATTTCAGGTTATGTTTAAAACTCCTGTGTCAATTACTGAACATCCCAAAATCA-3'